The following is an entry in ClinVar:

ClinVar aggregate classification (germline): Benign/Likely benign. Review status: criteria provided, multiple submitters, no conflicts (2 of 4 stars). 2 submissions from 2 submitters: Benign (1); Likely benign (1). Last evaluated 2025-10-14.

Conditions:
Hereditary cancer-predisposing syndrome. Also called: Neoplastic Syndromes, Hereditary; Tumor predisposition; Hereditary Cancer Syndrome; Hereditary neoplastic syndrome. Identifiers: Orphanet 140162, MedGen C0027672, MeSH D009386, MONDO:0015356.
Familial cancer of breast. Also called: hereditary breast carcinoma; Hereditary breast cancer; BREAST CANCER, FAMILIAL. Identifiers: Orphanet 227535, MedGen C0346153, MONDO:0016419, OMIM 114480. Disease mechanism: loss of function.

Submissions (2):

Ambry Genetics
Classification: Likely benign for Hereditary cancer-predisposing syndrome. Last evaluated: 2025-10-14. Review status: criteria provided, single submitter. Criteria: Ambry Variant Classification Scheme 2023. Collection method: clinical testing. Allele origin: germline.

Myriad Genetics, Inc.
Classification: Benign for Familial cancer of breast. Last evaluated: 2024-07-26. Review status: criteria provided, single submitter. Criteria: Myriad Autosomal Dominant, Autosomal Recessive and X-Linked Classification Criteria (2023). Collection method: clinical testing. Allele origin: unknown.
Comment: This variant is considered benign. This variant is a silent/synonymous amino acid change and it is not expected to impact splicing.

NM_000465.4(BARD1):c.1581T>C (p.Gly527=)

Gene: BARD1 (BRCA1 associated RING domain 1; minus strand). Cytogenetic location: 2q35.
Variant type: single nucleotide variant.
Coding change: c.1581T>C on transcript NM_000465.4 (MANE Select); coding-DNA position 1581, T replaced by C.
Protein change: p.Gly527=; no amino-acid change (glycine 527 retained).
Molecular consequence: synonymous variant. On other transcripts: non-coding transcript variant (3), intron variant (1).
Genome position (GRCh38, 1-based): chr2:214,752,543, A>G on the plus strand (T>C on the coding strand, the complement: BARD1 is on the minus strand). VCF-style: chr2-214752543-A-G. GRCh37 (hg19) VCF-style: chr2-215617267-A-G.
Other names: c.1524T>C, p.Gly508= (NM_001282543.2); c.228T>C, p.Gly76= (NM_001282545.2); c.171T>C, p.Gly57= (NM_001282548.2); c.365-22035T>C (NM_001282549.2); c.1581T>C (NM_000465.2).
Identifiers: ClinVar variation 3379341 (VCV003379341.2).
Genomic context (GRCh38, chr2:214,752,543, plus strand): 5'-CTCTGGTAGCAGCAATAGCGATTTCATACTTTCATCATCTGTATAATCGACAGGCCGCAG[A>G]CCAAATATATTACTGGTAAAATAAGTGCAGATGTGTTTAAGTAAGTCAAATGTGTGACTC-3'
Protein context (NP_000456.2, residues 517-537): GASRNAVNIF[Gly527=]LRPVDYTDDE